The following is an entry in ClinVar:

NM_001126108.2(SLC12A3):c.634G>A (p.Gly212Ser)

Gene: SLC12A3 (solute carrier family 12 member 3; plus strand). Cytogenetic location: 16q13.
Variant type: single nucleotide variant.
Coding change: c.634G>A on transcript NM_001126108.2 (MANE Select); coding-DNA position 634, G replaced by A.
Protein change: p.Gly212Ser; replaces glycine 212 with serine.
Molecular consequence: missense variant.
Genome position (GRCh38, 1-based): chr16:56,870,128, G>A. VCF-style: chr16-56870128-G-A. GRCh37 (hg19) VCF-style: chr16-56904040-G-A.
Other names: c.634G>A, p.Gly212Ser (NM_000339.3); c.631G>A, p.Gly211Ser (NM_001126107.2); short protein forms G212S, G211S.
Identifiers: ClinVar variation 1454109 (VCV001454109.11), dbSNP rs1238543321, ClinGen allele CA395981633.
Genomic context (GRCh38, chr16:56,870,128, plus strand): 5'-TTCATGGTTCCCGGCTCTGCCCTGATAGGTGGCACCTACTTCCTCATCTCCCGGAGTCTG[G>A]GCCCAGAGCTTGGGGGCTCCATCGGCCTCATTTTCGCTTTCGCCAATGCCGTGGGTGTGG-3'
Protein context (NP_001119580.2, residues 202-222): GTYFLISRSL[Gly212Ser]PELGGSIGLI

ClinVar aggregate classification (germline): Pathogenic/Likely pathogenic. Review status: criteria provided, multiple submitters, no conflicts (2 of 4 stars). 2 submissions from 2 submitters: Pathogenic (1); Likely pathogenic (1). Last evaluated 2024-01-05.

Conditions:
Familial hypokalemia-hypomagnesemia (GTLMNS). Also called: gitelman syndrome; HYPOMAGNESEMIA-HYPOKALEMIA, PRIMARY RENOTUBULAR, WITH HYPOCALCIURIA; POTASSIUM AND MAGNESIUM DEPLETION. Identifiers: Orphanet 358, MedGen C0268450, MONDO:0009904, OMIM 263800.

Allele frequency attached by ClinVar (database versions not stated): TOPMed below 0.00001.

Submissions (2):

Labcorp Genetics (formerly Invitae), Labcorp
Classification: Pathogenic. Last evaluated: 2024-01-05. Review status: criteria provided, single submitter. Criteria: Invitae Variant Classification Sherloc (09022015). Collection method: clinical testing. Allele origin: germline.
Comment: This sequence change replaces glycine, which is neutral and non-polar, with serine, which is neutral and polar, at codon 212 of the SLC12A3 protein (p.Gly212Ser). This variant is not present in population databases (gnomAD no frequency). This missense change has been observed in individual(s) with Gitelman syndrome (PMID: 27454426, 30413979). In at least one individual the data is consistent with being in trans (on the opposite chromosome) from a pathogenic variant. ClinVar contains an entry for this variant (Variation ID: 1454109). Advanced modeling of protein sequence and biophysical properties (such as structural, functional, and spatial information, amino acid conservation, physicochemical variation, residue mobility, and thermodynamic stability) performed at Invitae indicates that this missense variant is expected to disrupt SLC12A3 protein function with a positive predictive value of 95%. For these reasons, this variant has been classified as Pathogenic.

Juno Genomics, Hangzhou Juno Genomics, Inc
Classification: Likely pathogenic for Familial hypokalemia-hypomagnesemia. Review status: criteria provided, single submitter. Criteria: ACMG Guidelines, 2015. Collection method: clinical testing. Allele origin: germline.
Comment: Absent from controls (or at extremely low frequency if recessive) in Genome Aggregation Database.;Multiple lines of computational evidence support a deleterious effect on the gene or gene product.;For recessive disorders, detected in trans with a pathogenic variant.;Patient's phenotype or family history is highly specific for a disease with a single genetic etiology.

Literature cited by the submitters: PubMed 27454426 (cited by Labcorp Genetics (formerly Invitae), Labcorp); PubMed 30413979 (cited by Labcorp Genetics (formerly Invitae), Labcorp).